The following is an entry in ClinVar:

NM_000460.4(THPO):c.380G>A (p.Ser127Asn)

Gene: THPO (thrombopoietin; minus strand). Cytogenetic location: 3q27.1.
Variant type: single nucleotide variant.
Coding change: c.380G>A on transcript NM_000460.4 (MANE Select); coding-DNA position 380, G replaced by A.
Protein change: p.Ser127Asn; replaces serine 127 with asparagine.
Molecular consequence: missense variant.
Genome position (GRCh38, 1-based): chr3:184,373,431, C>T on the plus strand (G>A on the coding strand, the complement: THPO is on the minus strand). VCF-style: chr3-184373431-C-T. GRCh37 (hg19) VCF-style: chr3-184091219-C-T.
Other names: p.Ser127Asn; c.380G>A, p.Ser127Asn (NM_001177597.2, NM_001177598.2, NM_001289997.1 and 5 more transcripts); c.800G>A, p.Ser267Asn (NM_001290003.1); short protein forms S127N, S267N.
Identifiers: ClinVar variation 3379520 (VCV003379520.2).

ClinVar aggregate classification (germline): Uncertain significance. Review status: criteria provided, multiple submitters, no conflicts (2 of 4 stars). 2 submissions from 2 submitters: Uncertain significance (2). Last evaluated 2026-01-04.

gnomAD v4.1: 19 of 1,613,936 alleles (0.0012%); highest among the groups gnomAD compares: East Asian, 0.033%; no homozygotes.

Submissions (2):

Labcorp Genetics (formerly Invitae), Labcorp
Classification: Uncertain significance. Last evaluated: 2026-01-04. Review status: criteria provided, single submitter. Criteria: Invitae Variant Classification Sherloc (09022015). Collection method: clinical testing. Allele origin: germline.
Comment: This sequence change replaces serine, which is neutral and polar, with asparagine, which is neutral and polar, at codon 127 of the THPO protein (p.Ser127Asn). This variant is present in population databases (rs755952193, gnomAD 0.05%). This variant has not been reported in the literature in individuals affected with THPO-related conditions. ClinVar contains an entry for this variant (Variation ID: 3379520). Invitae Evidence Modeling of protein sequence and biophysical properties (such as structural, functional, and spatial information, amino acid conservation, physicochemical variation, residue mobility, and thermodynamic stability) indicates that this missense variant is not expected to disrupt THPO protein function with a negative predictive value of 80%. In summary, the available evidence is currently insufficient to determine the role of this variant in disease. Therefore, it has been classified as a Variant of Uncertain Significance.

Mayo Clinic Laboratories, Mayo Clinic
Classification: Uncertain significance. Last evaluated: 2024-07-08. Review status: criteria provided, single submitter. Criteria: ACMG Guidelines, 2015. Collection method: clinical testing. Allele origin: germline. Observed: 1 variant allele.
Comment: BP4, PM2